The following is an entry in ClinVar:

ClinVar aggregate classification (germline): Uncertain significance (1 of 4 stars; one submission).

Conditions:
Familial thoracic aortic aneurysm and aortic dissection (TAAD). Also called: Thoracic aortic aneurysms and dissections. Identifiers: Orphanet 91387, MedGen C4707243, MONDO:0019625.

Submission:

Labcorp Genetics (formerly Invitae), Labcorp
Classification: Uncertain significance for Familial thoracic aortic aneurysm and aortic dissection. Last evaluated: 2021-07-04. Review status: criteria provided, single submitter. Criteria: Invitae Variant Classification Sherloc (09022015). Collection method: clinical testing. Allele origin: germline.
Comment: This sequence change replaces valine with leucine at codon 432 of the TGFBR1 protein (p.Val432Leu). The valine residue is highly conserved and there is a small physicochemical difference between valine and leucine. This variant is not present in population databases (ExAC no frequency). This variant has not been reported in the literature in individuals affected with TGFBR1-related conditions. Advanced modeling of protein sequence and biophysical properties (such as structural, functional, and spatial information, amino acid conservation, physicochemical variation, residue mobility, and thermodynamic stability) performed at Invitae indicates that this missense variant is expected to disrupt TGFBR1 protein function. In summary, the available evidence is currently insufficient to determine the role of this variant in disease. Therefore, it has been classified as a Variant of Uncertain Significance.

NM_004612.4(TGFBR1):c.1294G>C (p.Val432Leu)

Gene: TGFBR1 (transforming growth factor beta receptor 1; plus strand). Cytogenetic location: 9q22.33.
Variant type: single nucleotide variant.
Coding change: c.1294G>C on transcript NM_004612.4 (MANE Select); coding-DNA position 1294, G replaced by C.
Protein change: p.Val432Leu; replaces valine 432 with leucine.
Molecular consequence: missense variant.
Genome position (GRCh38, 1-based): chr9:99,147,692, G>C. VCF-style: chr9-99147692-G-C. GRCh37 (hg19) VCF-style: chr9-101909974-G-C.
Other names: c.1063G>C, p.Val355Leu (NM_001130916.3); c.1306G>C, p.Val436Leu (NM_001306210.2); short protein forms V432L, V355L, V436L.
Identifiers: ClinVar variation 1365929 (VCV001365929.8), dbSNP rs2118839576, ClinGen allele CA374233318.